The following is an entry in ClinVar:

NM_000466.3(PEX1):c.1163G>A (p.Trp388Ter)

Gene: PEX1 (peroxisomal biogenesis factor 1; minus strand). Cytogenetic location: 7q21.2.
Variant type: single nucleotide variant.
Coding change: c.1163G>A on transcript NM_000466.3 (MANE Select); coding-DNA position 1163, G replaced by A.
Protein change: p.Trp388Ter; replaces tryptophan 388 with a stop codon.
Molecular consequence: nonsense.
Genome position (GRCh38, 1-based): chr7:92,517,352, C>T on the plus strand (G>A on the coding strand, the complement: PEX1 is on the minus strand). VCF-style: chr7-92517352-C-T. GRCh37 (hg19) VCF-style: chr7-92146666-C-T.
Other names: c.1163G>A, p.Trp388Ter (NM_001282677.2); c.539G>A, p.Trp180Ter (NM_001282678.2); short protein forms W180*, W388*.
Identifiers: ClinVar variation 639480 (VCV000639480.8), dbSNP rs1585254187, ClinGen allele CA368197640.

ClinVar aggregate classification (germline): Pathogenic (1 of 4 stars; one submission).

Conditions:
Zellweger spectrum disorders (ZS). Also called: Zellweger Spectrum Disorder; Zellweger Spectrum; Zellweger Spectrum Disorder (ZSD); Zellweger syndrome. Identifiers: Orphanet 912, MedGen C0043459, MONDO:0019609.

Allele frequency attached by ClinVar (database versions not stated): gnomAD exomes below 0.00001.
gnomAD v4.1: 2 of 1,613,610 alleles (0.00012%); highest among the groups gnomAD compares: East Asian, 0.0022%; no homozygotes.

Submission:

Labcorp Genetics (formerly Invitae), Labcorp
Classification: Pathogenic for Zellweger spectrum disorders. Last evaluated: 2024-05-21. Review status: criteria provided, single submitter. Criteria: Invitae Variant Classification Sherloc (09022015). Collection method: clinical testing. Allele origin: germline.
Comment: This sequence change creates a premature translational stop signal (p.Trp388*) in the PEX1 gene. It is expected to result in an absent or disrupted protein product. Loss-of-function variants in PEX1 are known to be pathogenic (PMID: 21031596, 26387595, 31831025). This variant is not present in population databases (gnomAD no frequency). This variant has not been reported in the literature in individuals affected with PEX1-related conditions. ClinVar contains an entry for this variant (Variation ID: 639480). Algorithms developed to predict the effect of sequence changes on RNA splicing suggest that this variant may disrupt the consensus splice site. For these reasons, this variant has been classified as Pathogenic.

Literature cited by the submitters: PubMed 21031596; PubMed 26387595; PubMed 31831025.